The following is an entry in ClinVar:

NM_005120.3(MED12):c.2491G>A (p.Ala831Thr)

Gene: MED12 (mediator complex subunit 12; plus strand). Cytogenetic location: Xq13.1.
Variant type: single nucleotide variant.
Coding change: c.2491G>A on transcript NM_005120.3 (MANE Select); coding-DNA position 2491, G replaced by A.
Protein change: p.Ala831Thr; replaces alanine 831 with threonine.
Molecular consequence: missense variant.
Genome position (GRCh38, 1-based): chrX:71,126,104, G>A. VCF-style: chrX-71126104-G-A. GRCh37 (hg19) VCF-style: chrX-70345954-G-A.
Other names: short protein forms A831T.
Identifiers: ClinVar variation 3707300 (VCV003707300.2).

ClinVar aggregate classification (germline): Uncertain significance (1 of 4 stars; one submission).

Conditions:
FG syndrome (FGS). Identifiers: MedGen C0220769, MONDO:0002010.

Submission:

Labcorp Genetics (formerly Invitae), Labcorp
Classification: Uncertain significance for FG syndrome. Last evaluated: 2024-09-15. Review status: criteria provided, single submitter. Criteria: Invitae Variant Classification Sherloc (09022015). Collection method: clinical testing. Allele origin: germline.
Comment: This sequence change replaces alanine, which is neutral and non-polar, with threonine, which is neutral and polar, at codon 831 of the MED12 protein (p.Ala831Thr). This variant is not present in population databases (gnomAD no frequency). This variant has not been reported in the literature in individuals affected with MED12-related conditions. Invitae Evidence Modeling of protein sequence and biophysical properties (such as structural, functional, and spatial information, amino acid conservation, physicochemical variation, residue mobility, and thermodynamic stability) indicates that this missense variant is not expected to disrupt MED12 protein function with a negative predictive value of 95%. In summary, the available evidence is currently insufficient to determine the role of this variant in disease. Therefore, it has been classified as a Variant of Uncertain Significance.